The following is an entry in ClinVar:

ClinVar aggregate classification (germline): Pathogenic/Likely pathogenic. Review status: criteria provided, multiple submitters, no conflicts (2 of 4 stars). 3 submissions from 3 submitters: Pathogenic (2); Likely pathogenic (1). Last evaluated 2024-02-06.

Conditions:
Hereditary cancer-predisposing syndrome. Also called: Hereditary Cancer Syndrome; Tumor predisposition; Neoplastic Syndromes, Hereditary; Hereditary neoplastic syndrome. Identifiers: Orphanet 140162, MedGen C0027672, MeSH D009386, MONDO:0015356.
Familial cancer of breast. Also called: hereditary breast carcinoma; BREAST CANCER, FAMILIAL; Hereditary breast cancer. Identifiers: Orphanet 227535, MedGen C0346153, MONDO:0016419, OMIM 114480. Disease mechanism: loss of function.
Ataxia-telangiectasia syndrome (AT). Also called: ATAXIA-TELANGIECTASIA, COMPLEMENTATION GROUP A; ATAXIA-TELANGIECTASIA, FRESNO VARIANT; Ataxia-telangiectasia; Ataxia-telangiectasia, complementation group E; Cerebello-oculocutaneous telangiectasia; Immunodeficiency with ataxia telangiectasia. Identifiers: Orphanet 100, MedGen C0004135, MONDO:0008840, OMIM 208900.

Submissions (3):

Myriad Genetics, Inc.
Classification: Likely pathogenic for Familial cancer of breast. Last evaluated: 2024-02-06. Review status: criteria provided, single submitter. Criteria: Myriad Autosomal Dominant, Autosomal Recessive and X-Linked Classification Criteria (2023). Collection method: clinical testing. Allele origin: unknown.
Comment: This variant is considered likely pathogenic. This variant occurs within a consensus splice junction and is predicted to result in abnormal mRNA splicing of either an out-of-frame exon or an in-frame exon necessary for protein stability and/or normal function.

Labcorp Genetics (formerly Invitae), Labcorp
Classification: Pathogenic for Ataxia-telangiectasia syndrome. Last evaluated: 2023-05-29. Review status: criteria provided, single submitter. Criteria: Invitae Variant Classification Sherloc (09022015). Collection method: clinical testing. Allele origin: germline.
Comment: Variants that disrupt the consensus splice site are a relatively common cause of aberrant splicing (PMID: 17576681, 9536098). Studies have shown that disruption of this splice site is associated with altered splicing resulting in activation of a cryptic splice site (Invitae). ClinVar contains an entry for this variant (Variation ID: 187308). This variant has not been reported in the literature in individuals affected with ATM-related conditions. This variant is not present in population databases (gnomAD no frequency). This sequence change affects a donor splice site in intron 62 of the ATM gene. While this variant is not anticipated to result in nonsense mediated decay, it likely alters RNA splicing and results in a disrupted protein product. This variant disrupts a region of the ATM protein in which other variant(s) (p.Arg3047*) have been determined to be pathogenic (PMID: 8755918, 10980530, 18560558, 19691550, 26628246). This suggests that this is a clinically significant region of the protein, and that variants that disrupt it are likely to be disease-causing. For these reasons, this variant has been classified as Pathogenic.

Ambry Genetics
Classification: Pathogenic for Hereditary cancer-predisposing syndrome. Last evaluated: 2019-05-07. Review status: criteria provided, single submitter. Criteria: Ambry Variant Classification Scheme 2023. Collection method: clinical testing. Allele origin: germline.
Comment: The c.8987+1G>C intronic pathogenic mutation results from a G to C substitution one nucleotide after exon 61 of the ATM gene. This alteration has been detected in conjunction with a truncating ATM mutation in an individual with ataxia-telangiectasia (Buzin CH, Hum. Mutat. 2003 Feb; 21(2):123-31). Using the BDGP and ESEfinder splice site prediction tools, this alteration is predicted to abolish the native donor splice site; however, direct evidence is unavailable. In addition to the clinical data presented in the literature, alterations that disrupt the canonical splice site are expected to cause aberrant splicing, resulting in an abnormal protein or a transcript that is subject to nonsense-mediated mRNA decay. As such, this alteration is classified as a disease-causing mutation.

Literature cited by the submitters: PubMed 17576681 (cited by Labcorp Genetics (formerly Invitae), Labcorp); PubMed 9536098 (cited by Labcorp Genetics (formerly Invitae), Labcorp); PubMed 8755918 (cited by Labcorp Genetics (formerly Invitae), Labcorp); PubMed 10980530 (cited by Labcorp Genetics (formerly Invitae), Labcorp); PubMed 18560558 (cited by Labcorp Genetics (formerly Invitae), Labcorp); PubMed 19691550 (cited by Labcorp Genetics (formerly Invitae), Labcorp); PubMed 26628246 (cited by Labcorp Genetics (formerly Invitae), Labcorp); PubMed 12552559 (cited by Ambry Genetics).

NM_000051.4(ATM):c.8987+1G>C

Genes: ATM (ATM serine/threonine kinase; plus strand), C11orf65 (chromosome 11 open reading frame 65; minus strand). Cytogenetic location: 11q22.3.
Variant type: single nucleotide variant.
Coding change: c.8987+1G>C on transcript NM_000051.4 (MANE Select); the canonical splice donor site of the intron after coding-DNA position 8987, G replaced by C.
Molecular consequence: splice donor variant. On other transcripts: intron variant (2).
Genome position (GRCh38, 1-based): chr11:108,365,219, G>C. VCF-style: chr11-108365219-G-C. GRCh37 (hg19) VCF-style: chr11-108235946-G-C.
Other names: c.8987+1G>C (NM_001351834.2); c.640+20701C>G (NM_001330368.2); c.694+20701C>G (NM_001351110.2).
Identifiers: ClinVar variation 187308 (VCV000187308.10), dbSNP rs786203631, ClinGen allele CA197313.